The following is an entry in ClinVar:

ClinVar aggregate classification (germline): Likely benign (1 of 4 stars; one submission).

Allele frequency attached by ClinVar (database versions not stated): TOPMed 0.00006; gnomAD 0.00027; gnomAD exomes 0.00045; ExAC 0.00108; 1000 Genomes Project 30x 0.00156; 1000 Genomes Project 0.00160.
gnomAD v4.1: 704 of 1,613,142 alleles (0.044%); highest among the groups gnomAD compares: South Asian, 0.71%; 10 homozygotes.

Submission:

CeGaT Center for Human Genetics Tuebingen
Classification: Likely benign. Last evaluated: 2024-08-01. Review status: criteria provided, single submitter. Criteria: CeGaT Center For Human Genetics Tuebingen Variant Classification Criteria Version 2. Collection method: clinical testing. Allele origin: germline. Affected: yes. Observed: 3 variant alleles.
Comment: PPP1R21: BS2

NM_001135629.3(PPP1R21):c.1150C>G (p.Leu384Val)

Gene: PPP1R21 (protein phosphatase 1 regulatory subunit 21; plus strand). Cytogenetic location: 2p16.3.
Variant type: single nucleotide variant.
Coding change: c.1150C>G on transcript NM_001135629.3 (MANE Select); coding-DNA position 1150, C replaced by G.
Protein change: p.Leu384Val; replaces leucine 384 with valine.
Molecular consequence: missense variant. On other transcripts: non-coding transcript variant (1).
Genome position (GRCh38, 1-based): chr2:48,474,744, C>G. VCF-style: chr2-48474744-C-G. GRCh37 (hg19) VCF-style: chr2-48701883-C-G.
Other names: c.1150C>G, p.Leu384Val (NM_001193475.2, NM_152994.5); short protein forms L384V.
Identifiers: ClinVar variation 2650893 (VCV002650893.24), dbSNP rs575957979, ClinGen allele CA1651181.